The following is an entry in ClinVar:

NM_000038.6(APC):c.5384C>G (p.Ser1795Ter)

Gene: APC (APC regulator of Wnt signaling pathway; plus strand). Cytogenetic location: 5q22.2.
Variant type: single nucleotide variant.
Coding change: c.5384C>G on transcript NM_000038.6 (MANE Select); coding-DNA position 5384, C replaced by G.
Protein change: p.Ser1795Ter; replaces serine 1795 with a stop codon.
Molecular consequence: nonsense.
Genome position (GRCh38, 1-based): chr5:112,840,978, C>G. VCF-style: chr5-112840978-C-G. GRCh37 (hg19) VCF-style: chr5-112176675-C-G.
Other names: c.5384C>G, p.Ser1795Ter (NM_001127510.3, NM_001354895.2); c.5330C>G, p.Ser1777Ter (NM_001127511.3); c.5438C>G, p.Ser1813Ter (NM_001354896.2); c.5414C>G, p.Ser1805Ter (NM_001354897.2); c.5309C>G, p.Ser1770Ter (NM_001354898.2); c.5300C>G, p.Ser1767Ter (NM_001354899.2); c.5261C>G, p.Ser1754Ter (NM_001354900.2); c.5207C>G, p.Ser1736Ter (NM_001354901.2); and 5 more; short protein forms S1795*, S1777*, S1704*, S1512*, S1669*, S1694*, S1736*, S1754*.
Identifiers: ClinVar variation 470004 (VCV000470004.11), dbSNP rs1554086694, ClinGen allele CA16033098.

ClinVar aggregate classification (germline): Pathogenic/Likely pathogenic. Review status: criteria provided, multiple submitters, no conflicts (2 of 4 stars). 2 submissions from 2 submitters: Pathogenic (1); Likely pathogenic (1). Last evaluated 2025-08-06.

Conditions:
Familial adenomatous polyposis 1 (FAP1). Also called: POLYPOSIS, ADENOMATOUS INTESTINAL; FAMILIAL ADENOMATOUS POLYPOSIS 1, ATTENUATED. Identifiers: MedGen C2713442, MONDO:0021056, OMIM 175100. Disease mechanism: loss of function.

Submissions (2):

Quest Diagnostics Nichols Institute San Juan Capistrano
Classification: Likely pathogenic. Last evaluated: 2025-08-06. Review status: criteria provided, single submitter. Criteria: Quest Diagnostics criteria. Collection method: clinical testing. Allele origin: unknown.
Comment: The APC c.5384C>G (p.Ser1795*) variant is predicted to cause the premature termination of APC protein synthesis. This variant has been reported in the published literature in a pediatric individual with lymphoma (PMID: 33674644 (2021)). This variant has not been reported in large, multi-ethnic general populations (Genome Aggregation Database). Based on the available information, this variant is classified as likely pathogenic.

Labcorp Genetics (formerly Invitae), Labcorp
Classification: Pathogenic for Familial adenomatous polyposis 1. Last evaluated: 2017-07-24. Review status: criteria provided, single submitter. Criteria: Invitae Variant Classification Sherloc (09022015). Collection method: clinical testing. Allele origin: germline.
Comment: This variant removes several domains from the C-terminus of the protein, including the Basic Domain, the EB1 Binding Site, and the HDLG Binding Site, which mediate interactions with the cytoskeleton (PMID: 15311282, 17293347). In addition, different truncations downstream of this variant (p.Arg2204* and p.Ser2022*) have been determined to be pathogenic (Invitae database). This suggests that deletion of this region of the APC protein is causative of disease. For these reasons, this variant has been classified as Pathogenic. This variant has not been reported in the literature in individuals with APC-related disease. This variant is not present in population databases (ExAC no frequency). This sequence change results in a premature translational stop signal in the APC gene (p.Ser1795*). While this is not anticipated to result in nonsense mediated decay, it is expected to delete the last 1049 amino acids of the APC protein.

Literature cited by the submitters: PubMed 33674644 (cited by Quest Diagnostics Nichols Institute San Juan Capistrano); PubMed 15311282 (cited by Labcorp Genetics (formerly Invitae), Labcorp); PubMed 17293347 (cited by Labcorp Genetics (formerly Invitae), Labcorp).